The following is an entry in ClinVar:

ClinVar aggregate classification (germline): Uncertain significance (1 of 4 stars; one submission).

Submission:

Labcorp Genetics (formerly Invitae), Labcorp
Classification: Uncertain significance. Last evaluated: 2021-11-01. Review status: criteria provided, single submitter. Criteria: Invitae Variant Classification Sherloc (09022015). Collection method: clinical testing. Allele origin: germline.
Comment: This sequence change replaces glycine, which is neutral and non-polar, with arginine, which is basic and polar, at codon 34 of the MTPAP protein (p.Gly34Arg). This variant is not present in population databases (gnomAD no frequency). This variant has not been reported in the literature in individuals affected with MTPAP-related conditions. Algorithms developed to predict the effect of missense changes on protein structure and function (SIFT, PolyPhen-2, Align-GVGD) all suggest that this variant is likely to be tolerated. In summary, the available evidence is currently insufficient to determine the role of this variant in disease. Therefore, it has been classified as a Variant of Uncertain Significance.

NM_018109.4(MTPAP):c.100G>C (p.Gly34Arg)

Genes: MTPAP (mitochondrial poly(A) polymerase; minus strand), LOC130003598 (ATAC-STARR-seq lymphoblastoid active region 3207; plus strand). Cytogenetic location: 10p11.23.
Variant type: single nucleotide variant.
Coding change: c.100G>C on transcript NM_018109.4 (MANE Select); coding-DNA position 100, G replaced by C.
Protein change: p.Gly34Arg; replaces glycine 34 with arginine.
Molecular consequence: missense variant.
Genome position (GRCh38, 1-based): chr10:30,349,176, C>G on the plus strand (G>C on the coding strand, the complement: MTPAP is on the minus strand). VCF-style: chr10-30349176-C-G. GRCh37 (hg19) VCF-style: chr10-30638105-C-G.
Other names: short protein forms G34R.
Identifiers: ClinVar variation 1515231 (VCV001515231.6), dbSNP rs2132875526, ClinGen allele CA376429759.
Genomic context (GRCh38, chr10:30,349,176, plus strand): 5'-CACCTGTCTCCACGCTCCCTGAAGGCTGCTCGTCTCTCCTAAGGTCTTTGGCCACAGTTC[C>G]TGGGCAACTCAAAAGCCTGACGATAGGCCGCTGGACTCGAGTTCTTCTCCGGGCACACAG-3'
Protein context (NP_060579.3, residues 24-44): RPIVRLLSCP[Gly34Arg]TVAKDLRRDE